The following is an entry in ClinVar:

ClinVar aggregate classification (germline): Uncertain significance. Review status: criteria provided, multiple submitters, no conflicts (2 of 4 stars). 3 submissions from 3 submitters: Uncertain significance (3). Last evaluated 2025-09-22.

Conditions:
Hereditary breast ovarian cancer syndrome. Also called: Hereditary breast and ovarian cancer; Breast and ovarian cancer; Hereditary breast and/or ovarian cancer syndrome; Hereditary breast and ovarian cancer syndrome; BRCA1- and BRCA2-Associated Hereditary Breast and Ovarian Cancer; Hereditary breast and ovarian cancer syndrome (HBOC). Identifiers: Orphanet 145, MedGen C0677776, MeSH D061325, MONDO:0003582. Disease mechanism: loss of function.
Hereditary cancer-predisposing syndrome. Also called: Tumor predisposition; Hereditary Cancer Syndrome; Neoplastic Syndromes, Hereditary; Hereditary neoplastic syndrome. Identifiers: Orphanet 140162, MedGen C0027672, MeSH D009386, MONDO:0015356.

Submissions (3):

Ambry Genetics
Classification: Uncertain significance for Hereditary cancer-predisposing syndrome. Last evaluated: 2025-09-22. Review status: criteria provided, single submitter. Criteria: Ambry Variant Classification Scheme 2023. Collection method: clinical testing. Allele origin: germline.
Comment: The p.D3378N variant (also known as c.10132G>A), located in coding exon 26 of the BRCA2 gene, results from a G to A substitution at nucleotide position 10132. The aspartic acid at codon 3378 is replaced by asparagine, an amino acid with highly similar properties. This amino acid position is not well conserved in available vertebrate species. In addition, this alteration is predicted to be tolerated by in silico analysis. Since supporting evidence is limited at this time, the clinical significance of this alteration remains unclear.

Labcorp Genetics (formerly Invitae), Labcorp
Classification: Uncertain significance for Hereditary breast ovarian cancer syndrome. Last evaluated: 2025-01-06. Review status: criteria provided, single submitter. Criteria: Invitae Variant Classification Sherloc (09022015). Collection method: clinical testing. Allele origin: germline.
Comment: This sequence change replaces aspartic acid, which is acidic and polar, with asparagine, which is neutral and polar, at codon 3378 of the BRCA2 protein (p.Asp3378Asn). This variant is not present in population databases (gnomAD no frequency). This variant has not been reported in the literature in individuals affected with BRCA2-related conditions. ClinVar contains an entry for this variant (Variation ID: 821985). Invitae Evidence Modeling of protein sequence and biophysical properties (such as structural, functional, and spatial information, amino acid conservation, physicochemical variation, residue mobility, and thermodynamic stability) indicates that this missense variant is not expected to disrupt BRCA2 protein function with a negative predictive value of 95%. In summary, the available evidence is currently insufficient to determine the role of this variant in disease. Therefore, it has been classified as a Variant of Uncertain Significance.

Women's Health and Genetics/Laboratory Corporation of America, LabCorp
Classification: Uncertain significance. Last evaluated: 2021-10-11. Review status: criteria provided, single submitter. Criteria: LabCorp Variant Classification Summary - May 2015. Collection method: clinical testing. Allele origin: germline.
Comment: Variant summary: BRCA2 c.10132G>A (p.Asp3378Asn) results in a conservative amino acid change in the encoded protein sequence. Five of five in-silico tools predict a benign effect of the variant on protein function. The variant was absent in 251260 control chromosomes (gnomAD). The available data on variant occurrences in the general population are insufficient to allow any conclusion about variant significance. c.10132G>A has been reported in the literature as somatic occurrence in an ovarian endometrioid carcinoma (Gaia Oltean_2021). This report does not provide unequivocal conclusions about association of the variant with Hereditary Breast And Ovarian Cancer Syndrome. To our knowledge, no experimental evidence demonstrating an impact on protein function has been reported. Two clinical diagnostic laboratories have submitted clinical-significance assessments for this variant to ClinVar after 2014 and have classified the variant as uncertain significance. Based on the evidence outlined above, the variant was classified as uncertain significance.

Literature cited by the submitters: PubMed 33948387 (cited by Women's Health and Genetics/Laboratory Corporation of America, LabCorp).

NM_000059.4(BRCA2):c.10132G>A (p.Asp3378Asn)

Gene: BRCA2 (BRCA2 DNA repair associated; plus strand). Cytogenetic location: 13q13.1.
Variant type: single nucleotide variant.
Coding change: c.10132G>A on transcript NM_000059.4 (MANE Select); coding-DNA position 10132, G replaced by A.
Protein change: p.Asp3378Asn; replaces aspartic acid 3378 with asparagine.
Molecular consequence: missense variant.
Genome position (GRCh38, 1-based): chr13:32,398,645, G>A. VCF-style: chr13-32398645-G-A. GRCh37 (hg19) VCF-style: chr13-32972782-G-A.
Other names: short protein forms D3378N.
Identifiers: ClinVar variation 821985 (VCV000821985.16), dbSNP rs1593202359, ClinGen allele CA387768098.